The following is an entry in ClinVar:

ClinVar aggregate classification (germline): Likely benign (1 of 4 stars; one submission).

Allele frequency attached by ClinVar (database versions not stated): ESP Exome Variant Server 0.00023; gnomAD 0.00036; TOPMed 0.00046; gnomAD exomes 0.00061; ExAC 0.00076.
gnomAD v4.1: 935 of 1,613,862 alleles (0.058%); highest among the groups gnomAD compares: Non-Finnish European, 0.073%; 1 homozygote.

Submission:

CeGaT Center for Human Genetics Tuebingen
Classification: Likely benign. Last evaluated: 2022-07-01. Review status: criteria provided, single submitter. Criteria: CeGaT Center For Human Genetics Tuebingen Variant Classification Criteria Version 2. Collection method: clinical testing. Allele origin: germline. Affected: yes. Observed: 1 variant allele.
Comment: FURIN: BP4, BP7

NM_002569.4(FURIN):c.435C>T (p.His145=)

Gene: FURIN (furin, paired basic amino acid cleaving enzyme; plus strand). Cytogenetic location: 15q26.1.
Variant type: single nucleotide variant.
Coding change: c.435C>T on transcript NM_002569.4 (MANE Select); coding-DNA position 435, C replaced by T.
Protein change: p.His145=; no amino-acid change (histidine 145 retained).
Molecular consequence: synonymous variant. On other transcripts: non-coding transcript variant (1).
Genome position (GRCh38, 1-based): chr15:90,876,958, C>T. VCF-style: chr15-90876958-C-T. GRCh37 (hg19) VCF-style: chr15-91420188-C-T.
Other names: c.435C>T, p.His145= (NM_001289823.2, NM_001289824.2, NM_001382619.1 and 3 more transcripts).
Identifiers: ClinVar variation 2645710 (VCV002645710.24), dbSNP rs149242754, ClinGen allele CA7739383.